The following is an entry in ClinVar:

ClinVar aggregate classification (germline): Uncertain significance (1 of 4 stars; one submission).

Submission:

GeneDx
Classification: Uncertain significance. Last evaluated: 2022-05-20. Review status: criteria provided, single submitter. Criteria: GeneDx Variant Classification Process June 2021. Collection method: clinical testing. Allele origin: germline. Affected: yes.
Comment: Not observed at significant frequency in large population cohorts (gnomAD); In silico analysis supports that this missense variant does not alter protein structure/function; Has not been previously published as pathogenic or benign to our knowledge

NM_015046.7(SETX):c.4076A>G (p.Gln1359Arg)

Gene: SETX (senataxin; minus strand). Cytogenetic location: 9q34.13.
Variant type: single nucleotide variant.
Coding change: c.4076A>G on transcript NM_015046.7 (MANE Select); coding-DNA position 4076, A replaced by G.
Protein change: p.Gln1359Arg; replaces glutamine 1359 with arginine.
Molecular consequence: missense variant.
Genome position (GRCh38, 1-based): chr9:132,327,522, T>C on the plus strand (A>G on the coding strand, the complement: SETX is on the minus strand). VCF-style: chr9-132327522-T-C. GRCh37 (hg19) VCF-style: chr9-135202909-T-C.
Other names: c.4076A>G, p.Gln1359Arg (NM_001351527.2, NM_001351528.2); short protein forms Q1359R.
Identifiers: ClinVar variation 1800673 (VCV001800673.1), dbSNP rs2539100385, ClinGen allele CA375327344.